The following is an entry in ClinVar:

NM_001267550.2(TTN):c.58432+2T>C

Genes: TTN (titin; minus strand), TTN-AS1 (TTN antisense RNA 1; plus strand). Cytogenetic location: 2q31.2.
Variant type: single nucleotide variant.
Coding change: c.58432+2T>C on transcript NM_001267550.2 (MANE Select); the canonical splice donor site of the intron after coding-DNA position 58432, T replaced by C.
Molecular consequence: splice donor variant.
Genome position (GRCh38, 1-based): chr2:178,593,959, A>G on the plus strand (T>C on the coding strand, the complement: TTN is on the minus strand). VCF-style: chr2-178593959-A-G. GRCh37 (hg19) VCF-style: chr2-179458686-A-G.
Other names: c.31237+2T>C (NM_003319.4); c.31813+2T>C (NM_133437.4); c.31612+2T>C (NM_133432.3); c.50728+2T>C (NM_133378.4); c.53509+2T>C (NM_001256850.1).
Identifiers: ClinVar variation 952351 (VCV000952351.13), dbSNP rs796197320, ClinGen allele CA60971681.

ClinVar aggregate classification (germline): Conflicting classifications of pathogenicity. Review status: criteria provided, conflicting classifications (1 of 4 stars). 4 submissions from 4 submitters: Likely pathogenic (1); Uncertain significance (1). 2 of the submissions do not count toward it. Last evaluated 2025-12-08.

Conditions:
Dilated cardiomyopathy 1G (CMD1G). Identifiers: Orphanet 154, MedGen C1858763, MONDO:0011400, OMIM 604145.
Autosomal recessive limb-girdle muscular dystrophy type 2J (LGMDR10). Also called: Limb-girdle muscular dystrophy, type 2J; MUSCULAR DYSTROPHY, LIMB-GIRDLE, AUTOSOMAL RECESSIVE 10. Identifiers: Orphanet 140922, MedGen C1837342, MONDO:0012127, OMIM 608807.

Allele frequency attached by ClinVar (database versions not stated): gnomAD exomes below 0.00001.
gnomAD v4.1: 1 of 1,613,222 alleles (0.000062%); highest among the groups gnomAD compares: Non-Finnish European, 0.000085%; no homozygotes.

Submissions (4):

Labcorp Genetics (formerly Invitae), Labcorp
Classification: Likely pathogenic for Dilated cardiomyopathy 1G; Autosomal recessive limb-girdle muscular dystrophy type 2J. Last evaluated: 2025-12-08. Review status: criteria provided, single submitter. Criteria: Invitae Variant Classification Sherloc (09022015). Collection method: clinical testing. Allele origin: germline.
Comment: This sequence change affects a donor splice site in intron 297 of the TTN gene. It is expected to disrupt RNA splicing and likely results in a truncated or disrupted TTN protein. This variant is not present in population databases (gnomAD no frequency). This variant has not been reported in the literature in individuals affected with TTN-related conditions. ClinVar contains an entry for this variant (Variation ID: 952351). Algorithms developed to predict the effect of sequence changes on RNA splicing suggest that this variant may disrupt the consensus splice site. This variant is located in the A band of TTN (PMID: 25589632). Truncating variants in this region are significantly overrepresented in patients affected with dilated cardiomyopathy (PMID: 25589632). Truncating variants in this region have also been reported in individuals affected with autosomal recessive centronuclear myopathy (PMID: 23975875). In summary, the currently available evidence indicates that the variant is pathogenic, but additional data are needed to prove that conclusively. Therefore, this variant has been classified as Likely Pathogenic.

Blueprint Genetics
Classification: Uncertain significance. Last evaluated: 2024-02-07. Review status: criteria provided, single submitter. Criteria: ACMG Guidelines, 2015. Collection method: clinical testing. Allele origin: germline.

Clinical Genetics DNA and cytogenetics Diagnostics Lab, Erasmus MC, Erasmus Medical Center
Classification: Likely pathogenic. Review status: no assertion criteria provided. Collection method: clinical testing. Allele origin: germline. Affected: yes. Study: VKGL Data-share Consensus. Not counted in ClinVar's aggregate classification.

Diagnostic Laboratory, Department of Genetics, University Medical Center Groningen
Classification: Likely pathogenic. Review status: no assertion criteria provided. Collection method: clinical testing. Allele origin: germline. Affected: yes. Study: VKGL Data-share Consensus. Not counted in ClinVar's aggregate classification.

Literature cited by the submitters: PubMed 25589632 (cited by Labcorp Genetics (formerly Invitae), Labcorp); PubMed 23975875 (cited by Labcorp Genetics (formerly Invitae), Labcorp).